The following is an entry in ClinVar:

NM_182710.3(KAT5):c.615+7T>A

Gene: KAT5 (lysine acetyltransferase 5; plus strand). Cytogenetic location: 11q13.1.
Variant type: single nucleotide variant.
Coding change: c.615+7T>A on transcript NM_182710.3 (MANE Select); 7 bases into the intron after coding-DNA position 615, T replaced by A.
Molecular consequence: intron variant.
Genome position (GRCh38, 1-based): chr11:65,713,674, T>A. VCF-style: chr11-65713674-T-A. GRCh37 (hg19) VCF-style: chr11-65481145-T-A.
Other names: c.459+7T>A (NM_001206833.2); c.516+7T>A (NM_006388.4); c.360+7T>A (NM_182709.3).
Identifiers: ClinVar variation 3346662 (VCV003346662.1).

ClinVar aggregate classification (germline): Likely benign (0 of 4 stars; one submission).

Conditions:
KAT5-related disorder. Also called: KAT5-related condition.

gnomAD v4.1: 8 of 1,613,982 alleles (0.0005%); highest among the groups gnomAD compares: Non-Finnish European, 0.00068%; no homozygotes.

Submission:

PreventionGenetics, part of Exact Sciences
Classification: Likely benign for KAT5-related condition. Last evaluated: 2024-07-12. Review status: no assertion criteria provided. Collection method: clinical testing. Allele origin: germline.
Comment: This variant is classified as likely benign based on ACMG/AMP sequence variant interpretation guidelines (Richards et al. 2015 PMID: 25741868, with internal and published modifications).